The following is an entry in ClinVar:

ClinVar aggregate classification (germline): Likely benign (1 of 4 stars; one submission).

Allele frequency attached by ClinVar (database versions not stated): TOPMed 0.00002; gnomAD 0.00005; ExAC 0.00009.
gnomAD v4.1: 84 of 1,613,536 alleles (0.0052%); highest among the groups gnomAD compares: South Asian, 0.057%; no homozygotes.

Submission:

CeGaT Center for Human Genetics Tuebingen
Classification: Likely benign. Last evaluated: 2022-10-01. Review status: criteria provided, single submitter. Criteria: CeGaT Center For Human Genetics Tuebingen Variant Classification Criteria Version 2. Collection method: clinical testing. Allele origin: germline. Affected: yes. Observed: 1 variant allele.
Comment: NIPA1: BP4, BP7

NM_144599.5(NIPA1):c.540G>A (p.Ala180=)

Gene: NIPA1 (NIPA magnesium transporter 1; plus strand). Cytogenetic location: 15q11.2.
Variant type: single nucleotide variant.
Coding change: c.540G>A on transcript NM_144599.5 (MANE Select); coding-DNA position 540, G replaced by A.
Protein change: p.Ala180=; no amino-acid change (alanine 180 retained).
Molecular consequence: synonymous variant.
Genome position (GRCh38, 1-based): chr15:22,823,789, G>A. VCF-style: chr15-22823789-G-A. GRCh37 (hg19) VCF-style: chr15-23049279-C-T.
Other names: c.315G>A, p.Ala105= (NM_001142275.1).
Identifiers: ClinVar variation 2644953 (VCV002644953.24), dbSNP rs761905589, ClinGen allele CA7426048.